The following is an entry in ClinVar:

NM_005751.5(AKAP9):c.5117A>G (p.Asp1706Gly)

Gene: AKAP9 (A-kinase anchoring protein 9; plus strand). Cytogenetic location: 7q21.2.
Variant type: single nucleotide variant.
Coding change: c.5117A>G on transcript NM_005751.5 (MANE Select); coding-DNA position 5117, A replaced by G.
Protein change: p.Asp1706Gly; replaces aspartic acid 1706 with glycine.
Molecular consequence: missense variant.
Genome position (GRCh38, 1-based): chr7:92,042,726, A>G. VCF-style: chr7-92042726-A-G. GRCh37 (hg19) VCF-style: chr7-91672040-A-G.
Other names: p.D1706G:GAC>GGC; c.5117A>G, p.Asp1706Gly (NM_147185.3); short protein forms D1706G.
Identifiers: ClinVar variation 190488 (VCV000190488.15), dbSNP rs139468199, ClinGen allele CA300615.

ClinVar aggregate classification (germline): Conflicting classifications of pathogenicity. Review status: criteria provided, conflicting classifications (1 of 4 stars). 4 submissions from 4 submitters: Uncertain significance (1); Likely benign (3). Last evaluated 2026-03-03.

Conditions:
Cardiovascular phenotype. Identifiers: MedGen CN230736.
Long QT syndrome (LQTS). Identifiers: MedGen C0023976, MeSH D008133, MONDO:0002442. Disease mechanism: loss of function. Inheritance: Various modes of inheritance.

Allele frequency attached by ClinVar (database versions not stated): gnomAD 0.00006 and 0.00008; TOPMed 0.00009; ExAC 0.00011; gnomAD exomes 0.00013 and 0.00017; ESP Exome Variant Server 0.00015.
gnomAD v4.1: 261 of 1,612,184 alleles (0.016%); highest among the groups gnomAD compares: South Asian, 0.045%; 1 homozygote.

Submissions (4):

Women's Health and Genetics/Laboratory Corporation of America, LabCorp
Classification: Likely benign. Last evaluated: 2026-03-03. Review status: criteria provided, single submitter. Criteria: LabCorp Variant Classification Summary - May 2015. Collection method: clinical testing. Allele origin: germline.
Comment: Variant summary: AKAP9 c.5117A>G (p.Asp1706Gly) results in a non-conservative amino acid change in the encoded protein sequence. Algorithms developed to predict the effect of missense changes on protein structure and function are either unavailable or do not agree on the potential impact of this missense change. The variant allele was found at a frequency of 0.00013 in 251188 control chromosomes. The observed variant frequency exceeds the estimated maximal expected allele frequency for disease-causing variants in AKAP9. c.5117A>G has been observed in an individual affected with Lsudden cardiac death without strong evidence for causality (Bagnall_2016). These report(s) do not provide unequivocal conclusions about association of the variant with Long QT Syndrome. To our knowledge, no experimental evidence demonstrating an impact on protein function has been reported. The following publication have been ascertained in the context of this evaluation (PMID: 27332903). ClinVar contains an entry for this variant (Variation ID: 190488). Based on the evidence outlined above, the variant was classified as likely benign.

Labcorp Genetics (formerly Invitae), Labcorp
Classification: Uncertain significance for Long QT syndrome. Last evaluated: 2025-09-01. Review status: criteria provided, single submitter. Criteria: Invitae Variant Classification Sherloc (09022015). Collection method: clinical testing. Allele origin: germline.
Comment: This sequence change replaces aspartic acid, which is acidic and polar, with glycine, which is neutral and non-polar, at codon 1706 of the AKAP9 protein (p.Asp1706Gly). This variant is present in population databases (rs139468199, gnomAD 0.04%). This variant has not been reported in the literature in individuals affected with AKAP9-related conditions. ClinVar contains an entry for this variant (Variation ID: 190488). An algorithm developed to predict the effect of missense changes on protein structure and function (PolyPhen-2) suggests that this variant is likely to be tolerated. In summary, the available evidence is currently insufficient to determine the role of this variant in disease. Therefore, it has been classified as a Variant of Uncertain Significance.

Ambry Genetics
Classification: Likely benign for Cardiovascular phenotype. Last evaluated: 2023-08-11. Review status: criteria provided, single submitter. Criteria: Ambry Variant Classification Scheme 2023. Collection method: clinical testing. Allele origin: germline.

GeneDx
Classification: Likely benign. Last evaluated: 2011-12-12. Review status: criteria provided, single submitter. Criteria: GeneDx Variant Classification (06012015). Collection method: clinical testing. Allele origin: germline. Affected: yes.
Comment: This variant is considered likely benign or benign based on one or more of the following criteria: it is a conservative change, it occurs at a poorly conserved position in the protein, it is predicted to be benign by multiple in silico algorithms, and/or has population frequency not consistent with disease.

Literature cited by the submitters: PubMed 27332903 (cited by Women's Health and Genetics/Laboratory Corporation of America, LabCorp).